The following is an entry in ClinVar:

NM_006129.5(BMP1):c.2225G>T (p.Cys742Phe)

Gene: BMP1 (bone morphogenetic protein 1; plus strand). Cytogenetic location: 8p21.3.
Variant type: single nucleotide variant.
Coding change: c.2225G>T on transcript NM_006129.5 (MANE Select); coding-DNA position 2225, G replaced by T.
Protein change: p.Cys742Phe; replaces cysteine 742 with phenylalanine.
Molecular consequence: missense variant. On other transcripts: non-coding transcript variant (1).
Genome position (GRCh38, 1-based): chr8:22,201,920, G>T. VCF-style: chr8-22201920-G-T. GRCh37 (hg19) VCF-style: chr8-22059433-G-T.
Other names: short protein forms C742F.
Identifiers: ClinVar variation 1421775 (VCV001421775.6), dbSNP rs1829273526, ClinGen allele CA370505432.

ClinVar aggregate classification (germline): Uncertain significance (1 of 4 stars; one submission).

Allele frequency attached by ClinVar (database versions not stated): TOPMed below 0.00001.

Submission:

Labcorp Genetics (formerly Invitae), Labcorp
Classification: Uncertain significance. Last evaluated: 2021-11-10. Review status: criteria provided, single submitter. Criteria: Invitae Variant Classification Sherloc (09022015). Collection method: clinical testing. Allele origin: germline.
Comment: This sequence change replaces cysteine, which is neutral and slightly polar, with phenylalanine, which is neutral and non-polar, at codon 742 of the BMP1 protein (p.Cys742Phe). This variant is not present in population databases (gnomAD no frequency). This variant has not been reported in the literature in individuals affected with BMP1-related conditions. Algorithms developed to predict the effect of missense changes on protein structure and function (SIFT, PolyPhen-2, Align-GVGD) all suggest that this variant is likely to be disruptive. In summary, the available evidence is currently insufficient to determine the role of this variant in disease. Therefore, it has been classified as a Variant of Uncertain Significance.